The following is an entry in ClinVar:

ClinVar aggregate classification (germline): Uncertain significance. Review status: criteria provided, multiple submitters, no conflicts (2 of 4 stars). 3 submissions from 3 submitters: Uncertain significance (3). Last evaluated 2025-12-10.

Conditions:
Hereditary cancer-predisposing syndrome. Also called: Hereditary Cancer Syndrome; Neoplastic Syndromes, Hereditary; Tumor predisposition; Hereditary neoplastic syndrome. Identifiers: Orphanet 140162, MedGen C0027672, MeSH D009386, MONDO:0015356.
Ataxia-telangiectasia syndrome (AT). Also called: Cerebello-oculocutaneous telangiectasia; Immunodeficiency with ataxia telangiectasia; Ataxia-telangiectasia, complementation group E; Ataxia-telangiectasia, complementation group D; AT, COMPLEMENTATION GROUP C; ATAXIA-TELANGIECTASIA, COMPLEMENTATION GROUP A. Identifiers: Orphanet 100, MedGen C0004135, MONDO:0008840, OMIM 208900.

Allele frequency attached by ClinVar (database versions not stated): TOPMed below 0.00001; ExAC 0.00001; gnomAD 0.00001.
gnomAD v4.1: 4 of 1,613,484 alleles (0.00025%); highest among the groups gnomAD compares: Non-Finnish European, 0.00034%; no homozygotes.

Submissions (3):

Labcorp Genetics (formerly Invitae), Labcorp
Classification: Uncertain significance for Ataxia-telangiectasia syndrome. Last evaluated: 2025-12-10. Review status: criteria provided, single submitter. Criteria: Invitae Variant Classification Sherloc (09022015). Collection method: clinical testing. Allele origin: germline.
Comment: This sequence change replaces asparagine, which is neutral and polar, with isoleucine, which is neutral and non-polar, at codon 2327 of the ATM protein (p.Asn2327Ile). This variant is present in population databases (rs761587154, gnomAD 0.002%). This variant has not been reported in the literature in individuals affected with ATM-related conditions. ClinVar contains an entry for this variant (Variation ID: 490684). Invitae Evidence Modeling of protein sequence and biophysical properties (such as structural, functional, and spatial information, amino acid conservation, physicochemical variation, residue mobility, and thermodynamic stability) has been performed for this missense variant. However, the output from this modeling did not meet the statistical confidence thresholds required to predict the impact of this variant on ATM protein function. In summary, the available evidence is currently insufficient to determine the role of this variant in disease. Therefore, it has been classified as a Variant of Uncertain Significance.

Color Diagnostics, LLC DBA Color Health
Classification: Uncertain significance for Hereditary cancer-predisposing syndrome. Last evaluated: 2023-12-05. Review status: criteria provided, single submitter. Criteria: ACMG Guidelines, 2015. Collection method: clinical testing. Allele origin: germline.
Comment: This missense variant replaces asparagine with isoleucine at codon 2327 of the ATM protein. Computational prediction is inconclusive regarding the impact of this variant on protein structure and function (internally defined REVEL score threshold 0.5 < inconclusive < 0.7, PMID: 27666373). To our knowledge, functional studies have not been reported for this variant. This variant has not been reported in individuals affected with ATM-related disorders in the literature. This variant has been identified in 2/250840 chromosomes in the general population by the Genome Aggregation Database (gnomAD). The available evidence is insufficient to determine the role of this variant in disease conclusively. Therefore, this variant is classified as a Variant of Uncertain Significance.

Ambry Genetics
Classification: Uncertain significance for Hereditary cancer-predisposing syndrome. Last evaluated: 2023-09-25. Review status: criteria provided, single submitter. Criteria: Ambry Variant Classification Scheme 2023. Collection method: clinical testing. Allele origin: germline.
Comment: The p.N2327I variant (also known as c.6980A>T), located in coding exon 47 of the ATM gene, results from an A to T substitution at nucleotide position 6980. The asparagine at codon 2327 is replaced by isoleucine, an amino acid with dissimilar properties. This amino acid position is poorly conserved in available vertebrate species. In addition, this alteration is predicted to be tolerated by in silico analysis. Since supporting evidence is limited at this time, the clinical significance of this alteration remains unclear.

NM_000051.4(ATM):c.6980A>T (p.Asn2327Ile)

Genes: C11orf65 (chromosome 11 open reading frame 65; minus strand), ATM (ATM serine/threonine kinase; plus strand). Cytogenetic location: 11q22.3.
Variant type: single nucleotide variant.
Coding change: c.6980A>T on transcript NM_000051.4 (MANE Select); coding-DNA position 6980, A replaced by T.
Protein change: p.Asn2327Ile; replaces asparagine 2327 with isoleucine.
Molecular consequence: missense variant. On other transcripts: intron variant (2).
Genome position (GRCh38, 1-based): chr11:108,327,649, A>T. VCF-style: chr11-108327649-A-T. GRCh37 (hg19) VCF-style: chr11-108198376-A-T.
Other names: c.6980A>T, p.Asn2327Ile (NM_001351834.2); c.641-18578T>A (NM_001330368.2); c.*38+7571T>A (NM_001351110.2); short protein forms N2327I.
Identifiers: ClinVar variation 490684 (VCV000490684.17), dbSNP rs761587154, ClinGen allele CA6266050.